The following is an entry in ClinVar:

NM_000138.5(FBN1):c.6673del (p.Tyr2225fs)

Gene: FBN1 (fibrillin 1; minus strand). Cytogenetic location: 15q21.1.
Variant type: Deletion.
Coding change: c.6673del on transcript NM_000138.5 (MANE Select); coding-DNA position 6673, one base deleted (T; older notation c.6673delT).
Protein change: p.Tyr2225fs; shifts the reading frame from tyrosine 2225.
Molecular consequence: frameshift variant.
Genome position (GRCh38, 1-based): chr15:48,432,932, A deleted on the plus strand (T on the coding strand, the reverse complement: FBN1 is on the minus strand); the first of 2 consecutive A bases (chr15:48,432,932-48,432,933); deleting either gives the same sequence. VCF-style (leftmost placement, unchanged base first): chr15-48432931-TA-T. GRCh37 (hg19) VCF-style: chr15-48725128-TA-T.
Other names: short protein forms Y2225fs.
Identifiers: ClinVar variation 1072178 (VCV001072178.3), dbSNP rs2141235124, ClinGen allele CA2499222972.

ClinVar aggregate classification (germline): Pathogenic. Review status: criteria provided, multiple submitters, no conflicts (2 of 4 stars). 2 submissions from 2 submitters: Pathogenic (2). Last evaluated 2026-01-09.

Conditions:
Familial thoracic aortic aneurysm and aortic dissection (TAAD). Also called: Thoracic aortic aneurysms and dissections. Identifiers: Orphanet 91387, MedGen C4707243, MONDO:0019625.
Marfan syndrome (MFS). Also called: FBN1-Related Marfan Syndrome; MARFAN SYNDROME, TYPE I; Marfan syndrome, classic; Marfan syndrome type 1; Marfan's syndrome. Identifiers: Orphanet 284963, Orphanet 558, MedGen C0024796, MONDO:0007947, OMIM 154700.

Submissions (2):

MVZ Medizinische Genetik Mainz
Classification: Pathogenic for Marfan syndrome. Last evaluated: 2026-01-09. Review status: criteria provided, single submitter. Criteria: UK Practice Guidelines For Variant Classification V4 01 2020. Collection method: clinical testing. Allele origin: germline. Inheritance: Autosomal dominant inheritance. Affected: yes. Observed: 1 variant allele.
Comment: ACMG Criteria: PVS1,PM2_SUP

Labcorp Genetics (formerly Invitae), Labcorp
Classification: Pathogenic for Marfan syndrome; Familial thoracic aortic aneurysm and aortic dissection. Last evaluated: 2020-07-20. Review status: criteria provided, single submitter. Criteria: Invitae Variant Classification Sherloc (09022015). Collection method: clinical testing. Allele origin: germline.
Comment: This sequence change creates a premature translational stop signal (p.Tyr2225Metfs*66) in the FBN1 gene. It is expected to result in an absent or disrupted protein product. This variant is not present in population databases (ExAC no frequency). This variant has not been reported in the literature in individuals with FBN1-related conditions. Loss-of-function variants in FBN1 are known to be pathogenic (PMID: 17657824, 19293843). For these reasons, this variant has been classified as Pathogenic.

Literature cited by the submitters: PubMed 17657824 (cited by Labcorp Genetics (formerly Invitae), Labcorp); PubMed 19293843 (cited by Labcorp Genetics (formerly Invitae), Labcorp).